The following is an entry in ClinVar:

ClinVar aggregate classification (germline): Uncertain significance (1 of 4 stars; one submission).

Conditions:
Arrhythmogenic right ventricular dysplasia 13. Also called: ARRHYTHMOGENIC RIGHT VENTRICULAR CARDIOMYOPATHY 13; Arrhythmogenic right ventricular dysplasia, familial, 13. Identifiers: MedGen C3810138, MONDO:0000908, OMIM 615616.

Allele frequency attached by ClinVar (database versions not stated): gnomAD 0.00001; TOPMed 0.00001.
gnomAD v4.1: 4 of 1,602,850 alleles (0.00025%); highest among the groups gnomAD compares: Admixed American, 0.0017%; no homozygotes.

Submission:

Labcorp Genetics (formerly Invitae), Labcorp
Classification: Uncertain significance for Arrhythmogenic right ventricular dysplasia 13. Last evaluated: 2025-10-12. Review status: criteria provided, single submitter. Criteria: Invitae Variant Classification Sherloc (09022015). Collection method: clinical testing. Allele origin: germline.
Comment: This sequence change replaces alanine, which is neutral and non-polar, with threonine, which is neutral and polar, at codon 350 of the CTNNA3 protein (p.Ala350Thr). This variant is not present in population databases (gnomAD no frequency). This variant has not been reported in the literature in individuals affected with CTNNA3-related conditions. ClinVar contains an entry for this variant (Variation ID: 2888743). An algorithm developed to predict the effect of missense changes on protein structure and function outputs the following: PolyPhen-2: "Benign". The threonine amino acid residue is found in multiple mammalian species, which suggests that this missense change does not adversely affect protein function. In summary, the available evidence is currently insufficient to determine the role of this variant in disease. Therefore, it has been classified as a Variant of Uncertain Significance.

NM_013266.4(CTNNA3):c.1048G>A (p.Ala350Thr)

Gene: CTNNA3 (catenin alpha 3; minus strand). Cytogenetic location: 10q21.3.
Variant type: single nucleotide variant.
Coding change: c.1048G>A on transcript NM_013266.4 (MANE Select); coding-DNA position 1048, G replaced by A.
Protein change: p.Ala350Thr; replaces alanine 350 with threonine.
Molecular consequence: missense variant.
Genome position (GRCh38, 1-based): chr10:66,775,524, C>T on the plus strand (G>A on the coding strand, the complement: CTNNA3 is on the minus strand). VCF-style: chr10-66775524-C-T. GRCh37 (hg19) VCF-style: chr10-68535282-C-T.
Other names: c.1048G>A, p.Ala350Thr (NM_001127384.3); short protein forms A350T.
Identifiers: ClinVar variation 2888743 (VCV002888743.3), dbSNP rs755758752, ClinGen allele CA377092286.
Genomic context (GRCh38, chr10:66,775,524, plus strand): 5'-TCTTCTTACACATGTTGTCTAAAGCAATATTCAGGGTATTACTCCTTTCTTTTTTTCCAG[C>T]CTGCAAAGAAGAAAAAACGACATAAGCAATGGTATCAATTAATCTTTATCACTTAGCAAT-3'
Protein context (NP_037398.2, residues 340-360): QDLLSEYMNN[Ala350Thr]GKKERSNTLN